The following is an entry in ClinVar:

NM_025137.4(SPG11):c.4045T>A (p.Phe1349Ile)

Gene: SPG11 (SPG11 vesicle trafficking associated, spatacsin; minus strand). Cytogenetic location: 15q21.1.
Variant type: single nucleotide variant.
Coding change: c.4045T>A on transcript NM_025137.4 (MANE Select); coding-DNA position 4045, T replaced by A.
Protein change: p.Phe1349Ile; replaces phenylalanine 1349 with isoleucine.
Molecular consequence: missense variant.
Genome position (GRCh38, 1-based): chr15:44,596,900, A>T on the plus strand (T>A on the coding strand, the complement: SPG11 is on the minus strand). VCF-style: chr15-44596900-A-T. GRCh37 (hg19) VCF-style: chr15-44889098-A-T.
Other names: c.4045T>A, p.Phe1349Ile (NM_001160227.2, NM_001411132.1); short protein forms F1349I.
Identifiers: ClinVar variation 2137660 (VCV002137660.4), dbSNP rs1567149547, ClinGen allele CA392229193.

ClinVar aggregate classification (germline): Uncertain significance (1 of 4 stars; one submission).

Conditions:
Hereditary spastic paraplegia 11. Also called: Nakamura Osame syndrome; Autosomal recessive hereditary spastic paraplegia, mental impairment, and thin corpus callosum; SPASTIC PARAPLEGIA, AUTOSOMAL RECESSIVE, COMPLICATED, WITH THIN CORPUS CALLOSUM; SPASTIC PARAPLEGIA, AUTOSOMAL RECESSIVE, WITH MENTAL IMPAIRMENT AND THIN CORPUS CALLOSUM; Spastic Paraplegia 11; Spastic paraplegia, mental retardation and thin corpus callosum. Identifiers: Orphanet 2822, MedGen C1858479, MONDO:0011445, OMIM 604360.

Submission:

Labcorp Genetics (formerly Invitae), Labcorp
Classification: Uncertain significance for Hereditary spastic paraplegia 11. Last evaluated: 2022-01-26. Review status: criteria provided, single submitter. Criteria: Invitae Variant Classification Sherloc (09022015). Collection method: clinical testing. Allele origin: germline.
Comment: This sequence change replaces phenylalanine, which is neutral and non-polar, with isoleucine, which is neutral and non-polar, at codon 1349 of the SPG11 protein (p.Phe1349Ile). This variant is not present in population databases (gnomAD no frequency). This missense change has been observed in individual(s) with hereditary spastic paraplegia (PMID: 19105190). In at least one individual the data is consistent with being in trans (on the opposite chromosome) from a pathogenic variant. Algorithms developed to predict the effect of missense changes on protein structure and function are either unavailable or do not agree on the potential impact of this missense change (SIFT: "Deleterious"; PolyPhen-2: "Probably Damaging"; Align-GVGD: "Class C0"). In summary, the available evidence is currently insufficient to determine the role of this variant in disease. Therefore, it has been classified as a Variant of Uncertain Significance.

Literature cited by the submitters: PubMed 19105190.